The following is an entry in ClinVar:

NM_005004.4(NDUFB8):c.232C>T (p.Leu78Phe)

Gene: NDUFB8 (NADH:ubiquinone oxidoreductase subunit B8; minus strand). Cytogenetic location: 10q24.31.
Variant type: single nucleotide variant.
Coding change: c.232C>T on transcript NM_005004.4 (MANE Select); coding-DNA position 232, C replaced by T.
Protein change: p.Leu78Phe; replaces leucine 78 with phenylalanine.
Molecular consequence: missense variant.
Genome position (GRCh38, 1-based): chr10:100,527,055, G>A on the plus strand (C>T on the coding strand, the complement: NDUFB8 is on the minus strand). VCF-style: chr10-100527055-G-A. GRCh37 (hg19) VCF-style: chr10-102286812-G-A.
Other names: c.232C>T, p.Leu78Phe (NM_001284367.2); c.139C>T, p.Leu47Phe (NM_001284368.1); short protein forms L78F, L47F.
Identifiers: ClinVar variation 2073095 (VCV002073095.6), dbSNP rs199893243, ClinGen allele CA5650201.
Genomic context (GRCh38, chr10:100,527,055, plus strand): 5'-TCAGGCCCGGCTGGTCCCAGCTATACCATGGATCTCTCTCATGCTGTGAGCGGTCAGGGA[G>A]CTTCGGGTAGTCGCCATACCTGAAAGACAGCAAGAACTTCTGGAAAGGGCTGTGAGCAGC-3'
Protein context (NP_004995.1, residues 68-88): DGMGYGDYPK[Leu78Phe]PDRSQHERDP

ClinVar aggregate classification (germline): Uncertain significance. Review status: criteria provided, multiple submitters, no conflicts (2 of 4 stars). 2 submissions from 2 submitters: Uncertain significance (2). Last evaluated 2025-10-24.

Conditions:
Inborn genetic diseases. Identifiers: MedGen C0950123, MeSH D030342.

Allele frequency attached by ClinVar (database versions not stated): TOPMed 0.00003; gnomAD 0.00003; ExAC 0.00001; gnomAD exomes 0.00002; 1000 Genomes Project 0.00020; 1000 Genomes Project 30x 0.00031.
gnomAD v4.1: 31 of 1,614,130 alleles (0.0019%); highest among the groups gnomAD compares: Admixed American, 0.02%; no homozygotes.

Submissions (2):

Ambry Genetics
Classification: Uncertain significance for Inborn genetic diseases. Last evaluated: 2025-10-24. Review status: criteria provided, single submitter. Criteria: Ambry Variant Classification Scheme 2023. Collection method: clinical testing. Allele origin: germline.

Labcorp Genetics (formerly Invitae), Labcorp
Classification: Uncertain significance. Last evaluated: 2024-02-23. Review status: criteria provided, single submitter. Criteria: Invitae Variant Classification Sherloc (09022015). Collection method: clinical testing. Allele origin: germline.
Comment: This sequence change replaces leucine, which is neutral and non-polar, with phenylalanine, which is neutral and non-polar, at codon 78 of the NDUFB8 protein (p.Leu78Phe). This variant is present in population databases (rs199893243, gnomAD 0.01%). This variant has not been reported in the literature in individuals affected with NDUFB8-related conditions. ClinVar contains an entry for this variant (Variation ID: 2073095). An algorithm developed to predict the effect of missense changes on protein structure and function (PolyPhen-2) suggests that this variant is likely to be disruptive. In summary, the available evidence is currently insufficient to determine the role of this variant in disease. Therefore, it has been classified as a Variant of Uncertain Significance.